The following continues an entry in ClinVar:

NM_016038.4(SBDS):c.258+2T>C

Gene: SBDS. ClinVar aggregate classification (germline): Pathogenic/Likely pathogenic. Pathogenic (60); Likely pathogenic (3).

Submissions 13 to 24 of 95:

Next Generation Genetic Polyclinic
Classification: Pathogenic for Shwachman-Diamond syndrome 1. Last evaluated: 2025-03-15. Review status: criteria provided, single submitter. Criteria: ACMG Guidelines, 2015. Collection method: curation. Allele origin: germline. Affected: yes. Observed: 1 variant allele.
Comment: Canonical splice site variant in SBDS gene (c.258+2T>C), disrupting the donor splice site of intron 2. Expected to result in exon skipping or intron retention and consequent loss of function (PVS1), a known disease mechanism for Shwachman-Diamond syndrome. The variant has been reported in affected individuals and is absent or rare in population databases (PM2). Clinical presentation is consistent with SBDS-related phenotypes. Detected in homozygous state. Classified as Pathogenic. Meets ACMG criteria: PVS1, PM2, PP4.

Greenwood Genetic Center Diagnostic Laboratories, Greenwood Genetic Center
Classification: Pathogenic for Shwachman-Diamond syndrome 1. Last evaluated: 2025-02-28. Review status: criteria provided, single submitter. Criteria: ACMG Guidelines, 2015. Collection method: clinical testing. Allele origin: germline. Affected: yes.
Comment: PVS1, PS3, PS4, PM3

Laboratory of Genetics, Children's Clinical University Hospital Latvia
Classification: Pathogenic. Last evaluated: 2025-02-16. Review status: criteria provided, single submitter. Criteria: ACMG Guidelines, 2015. Collection method: clinical testing. Allele origin: germline. Affected: yes.

Rady Children's Institute for Genomic Medicine, Rady Children's Hospital San Diego
Classification: Pathogenic for Shwachman-Diamond syndrome. Last evaluated: 2025-02-13. Review status: criteria provided, single submitter. Criteria: ACMG Guidelines, 2015. Collection method: clinical testing. Allele origin: germline. Affected: yes.
Comment: This variant affects the canonical splice donor site of intron 2 and is therefore predicted to interfere with splicing and result in loss of normal protein function through either protein truncation or nonsense-mediated mRNA decay (NMD). This is a known Pathogenic variant found in individuals with Shwachman-Diamond syndrome that arises from a gene conversion event with a nearby pseudogene (PMID: 20301722, 12496757, 19222471). The c.258+2T>C variant has been previously reported as compound heterozygous or homozygous change in patients with Shwachman-Diamond syndrome (PMID: 12496757, 14749921, 15860664, 22935661). Functional studies suggest that the c.258+2T>C variant affects the protein's cellular localization and motility (PMID: 21695142). The c.258+2T>C variant is present in the latest version of the gnomAD population database at an allele frequency of 0.4% (5833/1611298) and seen in the homozygous state in 10 individuals. Based on the available evidence, c.258+2T>C is classified as Pathogenic.

Ambry Genetics
Classification: Pathogenic for Inborn genetic diseases. Last evaluated: 2025-01-10. Review status: criteria provided, single submitter. Criteria: Ambry Variant Classification Scheme 2023. Collection method: clinical testing. Allele origin: germline.
Comment: The c.258+2T>C intronic pathogenic mutation results from a T to C substitution two nucleotides after coding exon 2 in the SBDS gene. This mutation has been described in multiple individuals with Shwachman-Diamond syndrome; it has been reported in homozygous individuals and is also known to occur as part of a complex allele: c.[183_184delTAinsCT;258+2T>C] (Boocock GR et al. Nat. Genet., 2003 Jan;33:97-101). In a study of seven individuals with c.258+2T>C in trans with a second mutation, each had a history of pancreatic insufficiency, four had skeletal abnormalities, and two had hematological malignancies (Kawakami T et al. Tohoku J. Exp. Med., 2005 Jul;206:253-9). RT-PCR identified a deletion of 8 base pairs at the end of exon 2 in some affected individuals; gene sequencing revealed the c.258+2T>C alteration in these individuals, which would be consistent with the use of an upstream cryptic splice donor predicted to result in an 8 base pair deletion leading to a frameshift and premature protein truncation (p.C84Yfs*4; Boocock GR et al. Nat. Genet., 2003 Jan;33:97-101). In addition to the clinical data presented in the literature, alterations that disrupt the canonical splice site are expected to cause aberrant splicing, resulting in an abnormal protein or a transcript that is subject to nonsense-mediated mRNA decay. As such, this alteration is classified as pathogenic.

Victorian Clinical Genetics Services, Murdoch Childrens Research Institute
Classification: Pathogenic for Shwachman-Diamond syndrome 1. Last evaluated: 2024-10-09. Review status: criteria provided, single submitter. Criteria: ACMG Guidelines, 2015. Collection method: clinical testing. Allele origin: germline. Inheritance: Autosomal recessive inheritance. Affected: no.
Comment: Based on the classification scheme VCGS_Germline_v1.3.4, this variant is classified as Pathogenic. Following criteria are met: 0102 - Loss of function is a known mechanism of disease in this gene and is associated with Shwachman-Diamond syndrome (MIM#260400). (I) 0106 - This gene is associated with autosomal recessive disease. (I) 0115 - Variants in this gene are known to have variable expressivity. A phenotypic spectrum with variable severity was observed in a cohort study. In addition, two unrelated asymptomatic individuals were later diagnosed with mild Shwachmann-Diamond syndrome following genetic investigations due to family history and clinical follow-ups (PMID: 24388329). (I) 0210 - Splice site variant proven to affect splicing of the transcript with a known effect on protein sequence. RT-PCR analysis of patient cells showed an 8bp deletion at the end of exon 2 consistent with the use of an upstream cryptic splice donor site. The deletion results in a frameshift and a premature termination codon, p.(Cys84Tyrfs*4) (PMID: 12496757, 15860664). (SP) 0252 - This variant is homozygous. (I) 0304 - Variant is present in gnomAD (v2) <0.01 for a recessive condition (1092 heterozygotes, 2 homozygotes). (SP) 0311 - Alternative nucleotide changes at the same canonical splice site are present in gnomAD (v2 & v3) (highest allele count: 3 heterozygotes, 0 homozygotes). (I) 0801 - This variant has very strong previous evidence of pathogenicity in unrelated individuals. It has been previously reported as pathogenic in many patients with Shwachman-Diamond syndrome and is one of the most common pathogenic variants in cases of SBDS [ClinVar, PMIDs: 12496757, 32150944, Nelson and Myers (2018)]. (SP) 1201 - Heterozygous variant detected in trans with a second pathogenic heterozygous variant, NM_016038.2(SBDS):c.183_184delinsCT; p.(Lys62*), in a recessive disease. (I) Legend: (SP) - Supporting pathogenic, (I) - Information, (SB) - Supporting benign

Baylor Genetics
Classification: Pathogenic for Aplastic anemia. Last evaluated: 2024-03-30. Review status: criteria provided, single submitter. Criteria: ACMG Guidelines, 2015. Collection method: clinical testing. Allele origin: unknown.

Genomic Medicine Center of Excellence, King Faisal Specialist Hospital and Research Centre
Classification: Likely pathogenic for Shwachman-Diamond syndrome 1. Last evaluated: 2024-03-17. Review status: criteria provided, single submitter. Criteria: ACMG Guidelines, 2015. Collection method: research. Allele origin: germline.

Fulgent Genetics
Classification: Pathogenic for Shwachman-Diamond syndrome 1; Aplastic anemia. Last evaluated: 2024-03-05. Review status: criteria provided, single submitter. Criteria: ACMG Guidelines, 2015. Collection method: clinical testing. Allele origin: germline.

Women's Health and Genetics/Laboratory Corporation of America, LabCorp
Classification: Pathogenic for Shwachman-Diamond syndrome 1. Last evaluated: 2024-02-08. Review status: criteria provided, single submitter. Criteria: LabCorp Variant Classification Summary - May 2015. Collection method: clinical testing. Allele origin: germline.
Comment: Variant summary: SBDS c.258+2T>C is located in a canonical splice-site and is predicted to affect mRNA splicing resulting in a significantly altered protein due to either exon skipping, shortening, or inclusion of intronic material. Several computational tools predict a significant impact on normal splicing: Three predict the variant abolishes the canonical 5' splicing donor site and three predict the variant creates/strengthens a cryptic 5' donor site. At least one publication reports experimental evidence that this variant indeed affects mRNA splicing and results in the skipping of exon 2 (e.g. Peretto_2023). The variant allele was found at a frequency of 0.0039 in 251238 control chromosomes in the gnomAD database, including 2 homozygotes. However, due to the presence of a SBDS pseudogene, this frequency may be inaccurate, allowing no conclusion about variant significance. c.258+2T>C has been reported in the literature in many individuals affected with Shwachman-Diamond Syndrome 1 and is considered a common disease variant (e.g. Furutani_2022). These data indicate that the variant is very likely to be associated with disease. The following publications have been ascertained in the context of this evaluation (PMID: 36835434, 34758064). ClinVar contains an entry for this variant (Variation ID: 3196). Based on the evidence outlined above, the variant was classified as pathogenic.

PreventionGenetics, part of Exact Sciences
Classification: Pathogenic for SBDS-related condition. Last evaluated: 2024-01-19. Review status: criteria provided, single submitter. Criteria: ACMG Guidelines, 2015. Collection method: clinical testing. Allele origin: germline.
Comment: The SBDS c.258+2T>C variant is predicted to disrupt the GT donor site and interfere with normal splicing. This variant has been reported in the homozygous and compound heterozygous states in individuals with Shwachman-Diamond Syndrome (Boocock et al. 2003. PubMed ID: 12496757; Myers et al. 2014. PubMed ID: 24388329). This variant is reported in 0.94% of alleles in individuals of European (Finnish) descent in gnomAD. Variants that disrupt the consensus splice donor site in SBDS are expected to be pathogenic. This variant is interpreted as pathogenic.

Department of Pathology and Laboratory Medicine, Sinai Health System
Classification: Pathogenic for Shwachman-Diamond syndrome. Last evaluated: 2023-09-13. Review status: criteria provided, single submitter. Criteria: ACMG Guidelines, 2015. Collection method: research. Allele origin: germline.